The following is an entry in ClinVar:

ClinVar aggregate classification (germline): Uncertain significance. Review status: criteria provided, multiple submitters, no conflicts (2 of 4 stars). 2 submissions from 2 submitters: Uncertain significance (2). Last evaluated 2025-06-03.

Conditions:
Inborn genetic diseases. Identifiers: MedGen C0950123, MeSH D030342.
Congenital myasthenic syndrome 12 (CMS12). Also called: MYASTHENIC SYNDROME, CONGENITAL, WITH TUBULAR AGGREGATES 1; Myasthenia, congenital, 12, with tubular aggregates. Identifiers: Orphanet 353327, Orphanet 590, MedGen C3552335, MONDO:0012518, OMIM 610542.

Allele frequency attached by ClinVar (database versions not stated): gnomAD 0.00001; gnomAD exomes 0.00001; TOPMed 0.00002.

Submissions (2):

Ambry Genetics
Classification: Uncertain significance for Inborn genetic diseases. Last evaluated: 2025-06-03. Review status: criteria provided, single submitter. Criteria: Ambry Variant Classification Scheme 2023. Collection method: clinical testing. Allele origin: germline.

Labcorp Genetics (formerly Invitae), Labcorp
Classification: Uncertain significance for Congenital myasthenic syndrome 12. Last evaluated: 2022-01-14. Review status: criteria provided, single submitter. Criteria: Invitae Variant Classification Sherloc (09022015). Collection method: clinical testing. Allele origin: germline.
Comment: This sequence change replaces asparagine, which is neutral and polar, with histidine, which is basic and polar, at codon 162 of the GFPT1 protein (p.Asn162His). In summary, the available evidence is currently insufficient to determine the role of this variant in disease. Therefore, it has been classified as a Variant of Uncertain Significance. Algorithms developed to predict the effect of missense changes on protein structure and function (SIFT, PolyPhen-2, Align-GVGD) all suggest that this variant is likely to be tolerated. ClinVar contains an entry for this variant (Variation ID: 954609). This variant has not been reported in the literature in individuals affected with GFPT1-related conditions. The frequency data for this variant in the population databases is considered unreliable, as metrics indicate poor data quality at this position in the gnomAD database.

NM_001244710.2(GFPT1):c.484A>C (p.Asn162His)

Gene: GFPT1 (glutamine--fructose-6-phosphate transaminase 1; minus strand). Cytogenetic location: 2p13.3.
Variant type: single nucleotide variant.
Coding change: c.484A>C on transcript NM_001244710.2 (MANE Select); coding-DNA position 484, A replaced by C.
Protein change: p.Asn162His; replaces asparagine 162 with histidine.
Molecular consequence: missense variant.
Genome position (GRCh38, 1-based): chr2:69,358,388, T>G on the plus strand (A>C on the coding strand, the complement: GFPT1 is on the minus strand). VCF-style: chr2-69358388-T-G. GRCh37 (hg19) VCF-style: chr2-69585520-T-G.
Other names: c.484A>C (NM_002056.3); c.484A>C, p.Asn162His (NM_002056.4); short protein forms N162H.
Identifiers: ClinVar variation 954609 (VCV000954609.10), dbSNP rs987906924, ClinGen allele CA49528297.